The following is an entry in ClinVar:

NM_001231.5(CASQ1):c.829-2A>G

Gene: CASQ1 (calsequestrin 1; plus strand). Cytogenetic location: 1q23.2.
Variant type: single nucleotide variant.
Coding change: c.829-2A>G on transcript NM_001231.5 (MANE Select); the canonical splice acceptor site of the intron before coding-DNA position 829, A replaced by G.
Molecular consequence: splice acceptor variant.
Genome position (GRCh38, 1-based): chr1:160,198,675, A>G. VCF-style: chr1-160198675-A-G. GRCh37 (hg19) VCF-style: chr1-160168465-A-G.
Identifiers: ClinVar variation 979173 (VCV000979173.3), dbSNP rs1378829381, ClinGen allele CA343260352.

ClinVar aggregate classification (germline): Uncertain significance (1 of 4 stars; one submission).

Conditions:
Myopathy due to calsequestrin and SERCA1 protein overload. Also called: Myopathy, vacuolar, with casq1 aggregates. Identifiers: Orphanet 88635, MedGen C4015624, MONDO:0014546, OMIM 616231.

Allele frequency attached by ClinVar (database versions not stated): gnomAD exomes below 0.00001 and 0.00001.
gnomAD v4.1: 4 of 1,612,936 alleles (0.00025%); highest among the groups gnomAD compares: Admixed American, 0.0033%; no homozygotes.

Submission:

Institute of Human Genetics, University of Goettingen
Classification: Uncertain significance for Myopathy due to calsequestrin and SERCA1 protein overload. Last evaluated: 2020-09-07. Review status: criteria provided, single submitter. Criteria: ACMG Guidelines, 2015. Collection method: clinical testing. Allele origin: germline. Inheritance: Autosomal dominant inheritance. Affected: yes. Observed: 1 heterozygote.
Comment: This Variant is located in the consensus splice site region, which will result in a alternate splicing. The variant is absent from large population studies. Until now only missense variants are described in CASQ1 to result in a type of myopathy. In summary, the splice site variant is classified as a variant of unknown significance.